The following is an entry in ClinVar:

ClinVar aggregate classification (germline): Pathogenic/Likely pathogenic. Review status: criteria provided, multiple submitters, no conflicts (2 of 4 stars). 2 submissions from 2 submitters: Pathogenic (1); Likely pathogenic (1). Last evaluated 2022-06-23.

Conditions:
COL9A3-related disorders.

Submissions (2):

Labcorp Genetics (formerly Invitae), Labcorp
Classification: Pathogenic. Last evaluated: 2022-06-23. Review status: criteria provided, single submitter. Criteria: Invitae Variant Classification Sherloc (09022015). Collection method: clinical testing. Allele origin: germline.
Comment: This variant is also known as c.390delC. For these reasons, this variant has been classified as Pathogenic. This premature translational stop signal has been observed in individual(s) with autosomal dominant COL9A3-related conditions (PMID: 29417091). This sequence change creates a premature translational stop signal (p.Pro132Glnfs*401) in the COL9A3 gene. It is expected to result in an absent or disrupted protein product. Loss-of-function variants in COL9A3 are known to be pathogenic (PMID: 24273071, 31090205). This variant is not present in population databases (gnomAD no frequency).

Blueprint Genetics
Classification: Likely pathogenic for COL9A3-related disorders. Last evaluated: 2021-04-19. Review status: criteria provided, single submitter. Criteria: ACMG Guidelines, 2015. Collection method: clinical testing. Allele origin: germline. Affected: yes. Observed: 1 variant allele.

Literature cited by the submitters: PubMed 29417091 (cited by Labcorp Genetics (formerly Invitae), Labcorp); PubMed 24273071 (cited by Labcorp Genetics (formerly Invitae), Labcorp); PubMed 31090205 (cited by Labcorp Genetics (formerly Invitae), Labcorp).

NM_001853.4(COL9A3):c.395del (p.Pro132fs)

Gene: COL9A3 (collagen type IX alpha 3 chain; plus strand). Cytogenetic location: 20q13.33.
Variant type: Deletion.
Coding change: c.395del on transcript NM_001853.4 (MANE Select); coding-DNA position 395, one base deleted (C; older notation c.395delC).
Protein change: p.Pro132fs; shifts the reading frame from proline 132.
Molecular consequence: frameshift variant.
Genome position (GRCh38, 1-based): chr20:62,821,782, C deleted; the last of 6 consecutive C bases (chr20:62,821,777-62,821,782); deleting any one gives the same sequence. VCF-style (leftmost placement, unchanged base first): chr20-62821776-GC-G. GRCh37 (hg19) VCF-style: chr20-61453128-GC-G.
Other names: short protein forms P132fs.
Identifiers: ClinVar variation 2176227 (VCV002176227.5), dbSNP rs2063514857, ClinGen allele CA16622144.